The following is an entry in ClinVar:

ClinVar aggregate classification (germline): Uncertain significance (1 of 4 stars; one submission).

Conditions:
Encephalopathy, acute, infection-induced (herpes-specific), susceptibility to, 1. Also called: Herpes simplex encephalitis, susceptibility to, 1. Identifiers: Orphanet 1930, MedGen C2750180, MONDO:0024563, OMIM 610551.

Submission:

Labcorp Genetics (formerly Invitae), Labcorp
Classification: Uncertain significance for Encephalopathy, acute, infection-induced (herpes-specific), susceptibility to, 1. Last evaluated: 2024-09-03. Review status: criteria provided, single submitter. Criteria: Invitae Variant Classification Sherloc (09022015). Collection method: clinical testing. Allele origin: germline.
Comment: This sequence change replaces aspartic acid, which is acidic and polar, with glutamic acid, which is acidic and polar, at codon 116 of the TLR3 protein (p.Asp116Glu). This variant is not present in population databases (gnomAD no frequency). This variant has not been reported in the literature in individuals affected with TLR3-related conditions. An algorithm developed to predict the effect of missense changes on protein structure and function (PolyPhen-2) suggests that this variant is likely to be tolerated. In summary, the available evidence is currently insufficient to determine the role of this variant in disease. Therefore, it has been classified as a Variant of Uncertain Significance.

NM_003265.3(TLR3):c.348T>A (p.Asp116Glu)

Gene: TLR3 (toll like receptor 3; plus strand). Cytogenetic location: 4q35.1.
Variant type: single nucleotide variant.
Coding change: c.348T>A on transcript NM_003265.3 (MANE Select); coding-DNA position 348, T replaced by A.
Protein change: p.Asp116Glu; replaces aspartic acid 116 with glutamic acid.
Molecular consequence: missense variant.
Genome position (GRCh38, 1-based): chr4:186,076,967, T>A. VCF-style: chr4-186076967-T-A. GRCh37 (hg19) VCF-style: chr4-186998121-T-A.
Other names: short protein forms D116E.
Identifiers: ClinVar variation 3664398 (VCV003664398.2).